The following is an entry in ClinVar:

NM_003072.5(SMARCA4):c.223-16A>G

Gene: SMARCA4 (SWI/SNF related BAF chromatin remodeling complex subunit ATPase 4; plus strand). Cytogenetic location: 19p13.2.
Variant type: single nucleotide variant.
Coding change: c.223-16A>G on transcript NM_003072.5 (MANE Select); 16 bases into the intron before coding-DNA position 223, A replaced by G.
Molecular consequence: intron variant.
Genome position (GRCh38, 1-based): chr19:10,985,257, A>G. VCF-style: chr19-10985257-A-G. GRCh37 (hg19) VCF-style: chr19-11095933-A-G.
Other names: c.223-16A>G (NM_001128844.3, NM_001128849.3, NM_001128847.4 and 5 more transcripts).
Identifiers: ClinVar variation 1458153 (VCV001458153.9), dbSNP rs1284168138, ClinGen allele CA631767514.
Genomic context (GRCh38, chr19:10,985,257, plus strand): 5'-TCTCGGGCAGCGCATAGCTGCGCTGCCACCTCACGTTCCACATGCTGACCCTGCCTTGCC[A>G]TGGTCCCTCTCGCAGCCCATGGAGTCCATGCATGAGAAGGGCATGTCGGACGACCCGCGC-3'

ClinVar aggregate classification (germline): Likely benign. Review status: criteria provided, multiple submitters, no conflicts (2 of 4 stars). 2 submissions from 2 submitters: Likely benign (2). Last evaluated 2026-09-30.

Conditions:
Rhabdoid tumor predisposition syndrome 2 (RTPS2). Identifiers: Orphanet 231108, Orphanet 69077, MedGen C2750074, MONDO:0013224, OMIM 613325.

Allele frequency attached by ClinVar (database versions not stated): gnomAD exomes 0.00001.
gnomAD v4.1: 9 of 1,613,400 alleles (0.00056%); highest among the groups gnomAD compares: Non-Finnish European, 0.00068%; no homozygotes.

Submissions (2):

Myriad Genetics, Inc.
Classification: Likely benign for Rhabdoid tumor predisposition syndrome 2. Last evaluated: 2026-09-30. Review status: criteria provided, single submitter. Criteria: Myriad Autosomal Dominant, Autosomal Recessive and X-Linked Classification Criteria (2023). Collection method: clinical testing. Allele origin: unknown.
Comment: This variant is considered likely benign. This variant is intronic and is not expected to impact mRNA splicing.

Labcorp Genetics (formerly Invitae), Labcorp
Classification: Likely benign for Rhabdoid tumor predisposition syndrome 2. Last evaluated: 2025-07-30. Review status: criteria provided, single submitter. Criteria: Invitae Variant Classification Sherloc (09022015). Collection method: clinical testing. Allele origin: germline.